The following is an entry in ClinVar:

ClinVar aggregate classification (germline): Uncertain significance (1 of 4 stars; one submission).

Allele frequency attached by ClinVar (database versions not stated): gnomAD 0.00001; ExAC 0.00002; TOPMed 0.00002; ESP Exome Variant Server 0.00015.

Submission:

Labcorp Genetics (formerly Invitae), Labcorp
Classification: Uncertain significance. Last evaluated: 2024-03-21. Review status: criteria provided, single submitter. Criteria: Invitae Variant Classification Sherloc (09022015). Collection method: clinical testing. Allele origin: germline.
Comment: This sequence change replaces arginine, which is basic and polar, with serine, which is neutral and polar, at codon 700 of the GRIN2D protein (p.Arg700Ser). This variant is present in population databases (rs150071822, gnomAD 0.004%). This variant has not been reported in the literature in individuals affected with GRIN2D-related conditions. ClinVar contains an entry for this variant (Variation ID: 1916800). Advanced modeling of protein sequence and biophysical properties (such as structural, functional, and spatial information, amino acid conservation, physicochemical variation, residue mobility, and thermodynamic stability) performed at Invitae indicates that this missense variant is not expected to disrupt GRIN2D protein function with a negative predictive value of 80%. In summary, the available evidence is currently insufficient to determine the role of this variant in disease. Therefore, it has been classified as a Variant of Uncertain Significance.

NM_000836.4(GRIN2D):c.2100G>T (p.Arg700Ser)

Gene: GRIN2D (glutamate ionotropic receptor NMDA type subunit 2D; plus strand). Cytogenetic location: 19q13.33.
Variant type: single nucleotide variant.
Coding change: c.2100G>T on transcript NM_000836.4 (MANE Select); coding-DNA position 2100, G replaced by T.
Protein change: p.Arg700Ser; replaces arginine 700 with serine.
Molecular consequence: missense variant.
Genome position (GRCh38, 1-based): chr19:48,421,793, G>T. VCF-style: chr19-48421793-G-T. GRCh37 (hg19) VCF-style: chr19-48925050-G-T.
Other names: short protein forms R700S.
Identifiers: ClinVar variation 1916800 (VCV001916800.5), dbSNP rs150071822, ClinGen allele CA9550663.
Genomic context (GRCh38, chr19:48,421,793, plus strand): 5'-GTTAGGGATGTCCCTGCGGAGGGTGCCCTAATCACTCCCCATTCTGCCCCAGTTCCAGAG[G>T]CCCCAGGAGCAGTACCCGCCCCTGAAGTTTGGGACCGTGCCCAACGGCTCCACGGAGAAG-3'
Protein context (NP_000827.2, residues 690-710): VSGLSDRKFQ[Arg700Ser]PQEQYPPLKF